The following is an entry in ClinVar:

ClinVar aggregate classification (germline): Pathogenic. Review status: criteria provided, single submitter (1 of 4 stars). 2 submissions from 2 submitters: Pathogenic (1). 1 of the submissions does not count toward it. Last evaluated 2023-08-10.

Conditions:
Bardet-Biedl syndrome (BBS). Identifiers: Orphanet 110, MedGen C0752166, MONDO:0015229.
BBS4-related disorder. Also called: BBS4-related condition.

Allele frequency attached by ClinVar (database versions not stated): gnomAD exomes below 0.00001; ExAC 0.00001; TOPMed 0.00001; gnomAD 0.00002 and 0.00003; ESP Exome Variant Server 0.00008.
gnomAD v4.1: 4 of 1,612,030 alleles (0.00025%); highest among the groups gnomAD compares: African/African-American, 0.0053%; no homozygotes.

Submissions (2):

Labcorp Genetics (formerly Invitae), Labcorp
Classification: Pathogenic for Bardet-Biedl syndrome. Last evaluated: 2023-08-10. Review status: criteria provided, single submitter. Criteria: Invitae Variant Classification Sherloc (09022015). Collection method: clinical testing. Allele origin: germline.
Comment: Advanced modeling of protein sequence and biophysical properties (such as structural, functional, and spatial information, amino acid conservation, physicochemical variation, residue mobility, and thermodynamic stability) performed at Invitae indicates that this missense variant is expected to disrupt BBS4 protein function. For these reasons, this variant has been classified as Pathogenic. ClinVar contains an entry for this variant (Variation ID: 662070). This missense change has been observed in individual(s) with clinical features of Bardet-Biedl syndrome (PMID: 17558852; Invitae). This variant is present in population databases (rs372822977, gnomAD 0.007%). This sequence change replaces glycine, which is neutral and non-polar, with glutamic acid, which is acidic and polar, at codon 209 of the BBS4 protein (p.Gly209Glu).

PreventionGenetics, part of Exact Sciences
Classification: Uncertain significance for BBS4-related condition. Last evaluated: 2024-07-02. Review status: no assertion criteria provided. Collection method: clinical testing. Allele origin: germline. Not counted in ClinVar's aggregate classification.
Comment: The BBS4 c.626G>A variant is predicted to result in the amino acid substitution p.Gly209Glu. To our knowledge, this variant has not been reported in the literature. This variant is reported in 0.0062% of alleles in individuals of African descent in gnomAD. At this time, the clinical significance of this variant is uncertain due to the absence of conclusive functional and genetic evidence.

Literature cited by the submitters: PubMed 17558852 (cited by Labcorp Genetics (formerly Invitae), Labcorp).

NM_033028.5(BBS4):c.626G>A (p.Gly209Glu)

Gene: BBS4 (Bardet-Biedl syndrome 4; plus strand). Cytogenetic location: 15q24.1.
Variant type: single nucleotide variant.
Coding change: c.626G>A on transcript NM_033028.5 (MANE Select); coding-DNA position 626, G replaced by A.
Protein change: p.Gly209Glu; replaces glycine 209 with glutamic acid.
Molecular consequence: missense variant. On other transcripts: non-coding transcript variant (2).
Genome position (GRCh38, 1-based): chr15:72,727,978, G>A. VCF-style: chr15-72727978-G-A. GRCh37 (hg19) VCF-style: chr15-73020319-G-A.
Other names: c.110G>A, p.Gly37Glu (NM_001252678.2); c.626G>A, p.Gly209Glu (NM_001320665.2); short protein forms G209E, G37E.
Identifiers: ClinVar variation 662070 (VCV000662070.11), dbSNP rs372822977, ClinGen allele CA7646697.